The following is an entry in ClinVar:

NM_173630.4(RTTN):c.3529-2del

Gene: RTTN (rotatin; minus strand). Cytogenetic location: 18q22.2.
Variant type: Deletion.
Coding change: c.3529-2del on transcript NM_173630.4 (MANE Select); the canonical splice acceptor site of the intron before coding-DNA position 3529, one base deleted (A; older notation c.3529-2delA).
Molecular consequence: splice acceptor variant.
Genome position (GRCh38, 1-based): chr18:70,114,601, T deleted on the plus strand (A on the coding strand, the reverse complement: RTTN is on the minus strand). VCF-style (leftmost placement, unchanged base first): chr18-70114600-CT-C. GRCh37 (hg19) VCF-style: chr18-67781836-CT-C.
Other names: c.793-2del (NM_001318520.2).
Identifiers: ClinVar variation 2873138 (VCV002873138.3), dbSNP rs2059557090, ClinGen allele CA991585454.
Genomic context (GRCh38, chr18:70,114,600, plus strand): 5'-TGTTTCTTCTCGTGCCTGTGACTCTGTCAGAACCAAGAGGTCTAACAGTGGGTTTGCACT[CT>C]AAAAAATGAAATTTGTAAAAAATGTATTTACTAATTGAACTATATATTGTTTCCTATAAA-3'

ClinVar aggregate classification (germline): Likely pathogenic (1 of 4 stars; one submission).

Allele frequency attached by ClinVar (database versions not stated): gnomAD exomes below 0.00001; gnomAD 0.00001; TOPMed 0.00001.

Submission:

Labcorp Genetics (formerly Invitae), Labcorp
Classification: Likely pathogenic. Last evaluated: 2023-02-22. Review status: criteria provided, single submitter. Criteria: Invitae Variant Classification Sherloc (09022015). Collection method: clinical testing. Allele origin: germline.
Comment: This sequence change affects a splice site in intron 26 of the RTTN gene. It is expected to disrupt RNA splicing. Variants that disrupt the donor or acceptor splice site typically lead to a loss of protein function (PMID: 16199547), and loss-of-function variants in RTTN are known to be pathogenic (PMID: 26608784, 26846091). This variant is not present in population databases (gnomAD no frequency). This variant has not been reported in the literature in individuals affected with RTTN-related conditions. Algorithms developed to predict the effect of sequence changes on RNA splicing suggest that this variant may disrupt the consensus splice site. In summary, the currently available evidence indicates that the variant is pathogenic, but additional data are needed to prove that conclusively. Therefore, this variant has been classified as Likely Pathogenic.

Literature cited by the submitters: PubMed 16199547; PubMed 26608784; PubMed 26846091.